The following is an entry in ClinVar:

NM_000257.4(MYH7):c.4180G>A (p.Ala1394Thr)

Gene: MYH7 (myosin heavy chain 7; minus strand). Cytogenetic location: 14q11.2.
Variant type: single nucleotide variant.
Coding change: c.4180G>A on transcript NM_000257.4 (MANE Select); coding-DNA position 4180, G replaced by A.
Protein change: p.Ala1394Thr; replaces alanine 1394 with threonine.
Molecular consequence: missense variant.
Genome position (GRCh38, 1-based): chr14:23,417,676, C>T on the plus strand (G>A on the coding strand, the complement: MYH7 is on the minus strand). VCF-style: chr14-23417676-C-T. GRCh37 (hg19) VCF-style: chr14-23886885-C-T.
Other names: short protein forms A1394T.
Identifiers: ClinVar variation 926781 (VCV000926781.10), dbSNP rs751075815, ClinGen allele CA041079.

ClinVar aggregate classification (germline): Uncertain significance. Review status: criteria provided, multiple submitters, no conflicts (2 of 4 stars). 3 submissions from 3 submitters: Uncertain significance (3). Last evaluated 2025-11-05.

Conditions:
Cardiomyopathy (CMYO). Also called: Cardiomyopathies. Identifiers: Orphanet 167848, MedGen C0878544, MONDO:0004994, HP:0001638. Inheritance: Various modes of inheritance.
Hypertrophic cardiomyopathy. Also called: HYPERTROPHIC MYOCARDIOPATHY. Identifiers: Orphanet 217569, MedGen C0007194, MeSH D002312, MONDO:0005045, HP:0001639.

Allele frequency attached by ClinVar (database versions not stated): gnomAD exomes 0.00001; ExAC 0.00001.

Submissions (3):

Color Diagnostics, LLC DBA Color Health
Classification: Uncertain significance for Cardiomyopathy. Last evaluated: 2025-11-05. Review status: criteria provided, single submitter. Criteria: ACMG Guidelines, 2015. Collection method: clinical testing. Allele origin: germline.
Comment: This missense variant replaces alanine with threonine at codon 1394 of the MYH7 protein. Computational prediction tools indicate that this variant's impact on protein structure and function is inconclusive. To our knowledge, functional studies have not been reported for this variant. This variant has been reported in an individual affected with hypertrophic cardiomyopathy (PMID: 38002985). This variant has been identified in 3/251198 chromosomes in the general population by the Genome Aggregation Database (gnomAD). The available evidence is insufficient to determine the role of this variant in disease conclusively. Therefore, this variant is classified as a Variant of Uncertain Significance.

All of Us Research Program, National Institutes of Health
Classification: Uncertain significance for Cardiomyopathy. Last evaluated: 2024-02-22. Review status: criteria provided, single submitter. Criteria: ACMG Guidelines, 2015. Collection method: clinical testing. Allele origin: germline. Inheritance: Autosomal dominant inheritance. Observed: 1 variant allele, 1 heterozygote.
Comment: This missense variant replaces alanine with threonine at codon 1394 of the MYH7 protein. Computational prediction tools indicate that this variant's impact on protein structure and function is inconclusive. To our knowledge, functional studies have not been reported for this variant. This variant has not been reported in individuals affected with MYH7-related disorders in the literature. This variant has been identified in 3/251198 chromosomes in the general population by the Genome Aggregation Database (gnomAD). The available evidence is insufficient to determine the role of this variant in disease conclusively. Therefore, this variant is classified as a Variant of Uncertain Significance.

This study involves interpretation of variants in research participants for the purpose of population health screening. Participant phenotype was not available at the time of variant classification. Additional details can be found in publication PMID: 35346344, PMCID: PMC8962531

Labcorp Genetics (formerly Invitae), Labcorp
Classification: Uncertain significance for Hypertrophic cardiomyopathy. Last evaluated: 2022-04-22. Review status: criteria provided, single submitter. Criteria: Invitae Variant Classification Sherloc (09022015). Collection method: clinical testing. Allele origin: germline.
Comment: In summary, the available evidence is currently insufficient to determine the role of this variant in disease. Therefore, it has been classified as a Variant of Uncertain Significance. Algorithms developed to predict the effect of missense changes on protein structure and function are either unavailable or do not agree on the potential impact of this missense change (SIFT: "Deleterious"; PolyPhen-2: "Probably Damaging"; Align-GVGD: "Class C0"). ClinVar contains an entry for this variant (Variation ID: 926781). This variant has not been reported in the literature in individuals affected with MYH7-related conditions. This variant is present in population databases (rs751075815, gnomAD 0.006%). This sequence change replaces alanine, which is neutral and non-polar, with threonine, which is neutral and polar, at codon 1394 of the MYH7 protein (p.Ala1394Thr).

Literature cited by the submitters: PubMed 38002985 (cited by Color Diagnostics, LLC DBA Color Health).